The following is an entry in ClinVar:

NM_024513.4(FYCO1):c.3024T>A (p.Ser1008Arg)

Gene: FYCO1 (FYVE and coiled-coil domain autophagy adaptor 1; minus strand). Cytogenetic location: 3p21.31.
Variant type: single nucleotide variant.
Coding change: c.3024T>A on transcript NM_024513.4 (MANE Select); coding-DNA position 3024, T replaced by A.
Protein change: p.Ser1008Arg; replaces serine 1008 with arginine.
Molecular consequence: missense variant.
Genome position (GRCh38, 1-based): chr3:45,966,310, A>T on the plus strand (T>A on the coding strand, the complement: FYCO1 is on the minus strand). VCF-style: chr3-45966310-A-T. GRCh37 (hg19) VCF-style: chr3-46007802-A-T.
Other names: short protein forms S1008R.
Identifiers: ClinVar variation 901333 (VCV000901333.11), dbSNP rs146592828, ClinGen allele CA2352915.

ClinVar aggregate classification (germline): Conflicting classifications of pathogenicity. Review status: criteria provided, conflicting classifications (1 of 4 stars). 4 submissions from 4 submitters: Uncertain significance (2); Likely benign (1). 1 of the submissions does not count toward it. Last evaluated 2023-12-27.

Conditions:
FYCO1-related disorder. Also called: FYCO1-related condition.
Cataract 18 (CATC2). Also called: CATARACT 18, AUTOSOMAL RECESSIVE. Identifiers: Orphanet 91492, Orphanet 98991, Orphanet 98992, Orphanet 98995, MedGen C1864908, MONDO:0012395, OMIM 610019.

Allele frequency attached by ClinVar (database versions not stated): gnomAD exomes 0.00003 and 0.00018; ExAC 0.00021; 1000 Genomes Project 0.00040; 1000 Genomes Project 30x 0.00047; gnomAD 0.00060 and 0.00066; TOPMed 0.00067; ESP Exome Variant Server 0.00100.
gnomAD v4.1: 144 of 1,614,128 alleles (0.0089%); highest among the groups gnomAD compares: African/African-American, 0.18%; 1 homozygote.

Submissions (4):

Blueprint Genetics
Classification: Uncertain significance. Last evaluated: 2023-12-27. Review status: criteria provided, single submitter. Criteria: ACMG Guidelines, 2015. Collection method: clinical testing. Allele origin: germline.

Labcorp Genetics (formerly Invitae), Labcorp
Classification: Likely benign for Cataract 18. Last evaluated: 2022-06-13. Review status: criteria provided, single submitter. Criteria: Invitae Variant Classification Sherloc (09022015). Collection method: clinical testing. Allele origin: germline.

Illumina Laboratory Services, Illumina
Classification: Uncertain significance for Cataract 18. Last evaluated: 2018-01-13. Review status: criteria provided, single submitter. Criteria: ICSL Variant Classification Criteria 13 December 2019. Collection method: clinical testing. Allele origin: germline.

PreventionGenetics, part of Exact Sciences
Classification: Likely benign for FYCO1-related condition. Last evaluated: 2023-02-01. Review status: no assertion criteria provided. Collection method: clinical testing. Allele origin: germline. Not counted in ClinVar's aggregate classification.
Comment: This variant is classified as likely benign based on ACMG/AMP sequence variant interpretation guidelines (Richards et al. 2015 PMID: 25741868, with internal and published modifications).